The following is an entry in ClinVar:

ClinVar aggregate classification (germline): Uncertain significance (1 of 4 stars; one submission).

gnomAD v4.1: 10 of 1,612,244 alleles (0.00062%); highest among the groups gnomAD compares: Admixed American, 0.0067%; no homozygotes.

Submission:

Labcorp Genetics (formerly Invitae), Labcorp
Classification: Uncertain significance. Last evaluated: 2025-05-06. Review status: criteria provided, single submitter. Criteria: Invitae Variant Classification Sherloc (09022015). Collection method: clinical testing. Allele origin: germline.
Comment: This sequence change replaces arginine, which is basic and polar, with histidine, which is basic and polar, at codon 1240 of the ADGRB2 protein (p.Arg1240His). This variant is present in population databases (rs780162537, gnomAD 0.01%). This variant has not been reported in the literature in individuals affected with ADGRB2-related conditions. An algorithm developed to predict the effect of missense changes on protein structure and function (PolyPhen-2) suggests that this variant is likely to be disruptive. In summary, the available evidence is currently insufficient to determine the role of this variant in disease. Therefore, it has been classified as a Variant of Uncertain Significance.

NM_001364857.2(ADGRB2):c.3818G>A (p.Arg1273His)

Gene: ADGRB2 (adhesion G protein-coupled receptor B2; minus strand). Cytogenetic location: 1p35.2.
Variant type: single nucleotide variant.
Coding change: c.3818G>A on transcript NM_001364857.2 (MANE Select); coding-DNA position 3818, G replaced by A.
Protein change: p.Arg1273His; replaces arginine 1273 with histidine.
Molecular consequence: missense variant.
Genome position (GRCh38, 1-based): chr1:31,731,362, C>T on the plus strand (G>A on the coding strand, the complement: ADGRB2 is on the minus strand). VCF-style: chr1-31731362-C-T. GRCh37 (hg19) VCF-style: chr1-32196963-C-T.
Other names: c.3818G>A, p.Arg1273His (NM_001294335.2); c.3719G>A, p.Arg1240His (NM_001294336.2); short protein forms R1240H, R1273H.
Identifiers: ClinVar variation 4753941 (VCV004753941.1).